The following is an entry in ClinVar:

ClinVar aggregate classification (germline): Likely pathogenic (1 of 4 stars; one submission).

Conditions:
Intellectual developmental disorder 61. Also called: INTELLECTUAL DEVELOPMENTAL DISORDER, AUTOSOMAL DOMINANT 61; MENTAL RETARDATION, AUTOSOMAL DOMINANT 61. Identifiers: MedGen C5231400, MONDO:0032485, OMIM 618009.

Submission:

Foundation for Research in Genetics and Endocrinology, FRIGE's Institute of Human Genetics
Classification: Likely pathogenic for Intellectual developmental disorder 61. Last evaluated: 2020-05-05. Review status: criteria provided, single submitter. Criteria: ACMG Guidelines, 2015. Collection method: research. Allele origin: maternal. Inheritance: Autosomal dominant inheritance. Affected: yes. Observed: 1 heterozygote.
Comment: A heterozygous nonsense variation in exon 20 of the MED13 gene that results in premature truncation of the Serine at codon 1601. The observed variant c.4802C>A(p.Ser1601Ter) has not been reported in the 1000 genomes and gnomAD databases. The in silico prediction of the variant are damaging by DANN and MutationTaster2. The reference codon is conserved across species. In summary, the variant meets our criteria to be classified as a likely pathogenic variant.

NM_005121.3(MED13):c.4802C>A (p.Ser1601Ter)

Gene: MED13 (mediator complex subunit 13; minus strand). Cytogenetic location: 17q23.2.
Variant type: single nucleotide variant.
Coding change: c.4802C>A on transcript NM_005121.3 (MANE Select); coding-DNA position 4802, C replaced by A.
Protein change: p.Ser1601Ter; replaces serine 1601 with a stop codon.
Molecular consequence: nonsense.
Genome position (GRCh38, 1-based): chr17:61,965,048, G>T on the plus strand (C>A on the coding strand, the complement: MED13 is on the minus strand). VCF-style: chr17-61965048-G-T. GRCh37 (hg19) VCF-style: chr17-60042409-G-T.
Other names: p.Ser1601Ter; short protein forms S1601*.
Identifiers: ClinVar variation 1803784 (VCV001803784.3), dbSNP rs2509241751, ClinGen allele CA400495791.